The following is an entry in ClinVar:

ClinVar aggregate classification (germline): Pathogenic (1 of 4 stars; one submission).

Submission:

Labcorp Genetics (formerly Invitae), Labcorp
Classification: Pathogenic. Last evaluated: 2022-05-21. Review status: criteria provided, single submitter. Criteria: Invitae Variant Classification Sherloc (09022015). Collection method: clinical testing. Allele origin: germline.
Comment: For these reasons, this variant has been classified as Pathogenic. This variant has not been reported in the literature in individuals affected with SLC25A12-related conditions. This variant is a gross deletion of the genomic region encompassing exon(s) 3 of the SLC25A12 gene. This deletion is out-of-frame, and is expected to create a premature termination codon and result in an absent or disrupted protein product. Loss-of-function variants in SLC25A12 are known to be pathogenic (PMID: 20015484, 31403263).

Literature cited by the submitters: PubMed 20015484; PubMed 31403263.

NC_000002.11:g.(?_172725171)_(172725353_?)del

Gene: SLC25A12 (solute carrier family 25 member 12; minus strand). Cytogenetic location: 2q31.1.
Variant type: Deletion.
Identifiers: ClinVar variation 2424734 (VCV002424734.4).